The following is an entry in ClinVar:

NM_006766.5(KAT6A):c.6008G>T (p.Arg2003Ile)

Gene: KAT6A (lysine acetyltransferase 6A; minus strand). Cytogenetic location: 8p11.21.
Variant type: single nucleotide variant.
Coding change: c.6008G>T on transcript NM_006766.5 (MANE Select); coding-DNA position 6008, G replaced by T.
Protein change: p.Arg2003Ile; replaces arginine 2003 with isoleucine.
Molecular consequence: missense variant.
Genome position (GRCh38, 1-based): chr8:41,932,212, C>A on the plus strand (G>T on the coding strand, the complement: KAT6A is on the minus strand). VCF-style: chr8-41932212-C-A. GRCh37 (hg19) VCF-style: chr8-41789730-C-A.
Other names: short protein forms R2003I.
Identifiers: ClinVar variation 2752577 (VCV002752577.3), dbSNP rs2486749771, ClinGen allele CA371058515.

ClinVar aggregate classification (germline): Uncertain significance (1 of 4 stars; one submission).

Submission:

Labcorp Genetics (formerly Invitae), Labcorp
Classification: Uncertain significance. Last evaluated: 2023-08-14. Review status: criteria provided, single submitter. Criteria: Invitae Variant Classification Sherloc (09022015). Collection method: clinical testing. Allele origin: germline.
Comment: In summary, the available evidence is currently insufficient to determine the role of this variant in disease. Therefore, it has been classified as a Variant of Uncertain Significance. Experimental studies and prediction algorithms are not available or were not evaluated, and the functional significance of this variant is currently unknown. This variant has not been reported in the literature in individuals affected with KAT6A-related conditions. This variant is not present in population databases (gnomAD no frequency). This sequence change replaces arginine, which is basic and polar, with isoleucine, which is neutral and non-polar, at codon 2003 of the KAT6A protein (p.Arg2003Ile).